The following is an entry in ClinVar:

ClinVar aggregate classification (germline): Likely benign. Review status: criteria provided, multiple submitters, no conflicts (2 of 4 stars). 2 submissions from 2 submitters: Likely benign (2). Last evaluated 2026-09-01.

gnomAD v4.1: 39 of 1,613,702 alleles (0.0024%); highest among the groups gnomAD compares: Middle Eastern, 0.033%; no homozygotes.

Submissions (2):

CeGaT Center for Human Genetics Tuebingen
Classification: Likely benign. Last evaluated: 2026-09-01. Review status: criteria provided, single submitter. Criteria: CeGaT Center For Human Genetics Tuebingen Variant Classification Criteria Version 2. Collection method: clinical testing. Allele origin: germline. Affected: yes. Observed: 1 variant allele.
Comment: TRAK1: BP4, BP7

Labcorp Genetics (formerly Invitae), Labcorp
Classification: Likely benign. Last evaluated: 2025-03-12. Review status: criteria provided, single submitter. Criteria: Invitae Variant Classification Sherloc (09022015). Collection method: clinical testing. Allele origin: germline.

NM_001042646.3(TRAK1):c.972C>T (p.Ala324=)

Gene: TRAK1 (trafficking kinesin protein 1; plus strand). Cytogenetic location: 3p22.1.
Variant type: single nucleotide variant.
Coding change: c.972C>T on transcript NM_001042646.3 (MANE Select); coding-DNA position 972, C replaced by T.
Protein change: p.Ala324=; no amino-acid change (alanine 324 retained).
Molecular consequence: synonymous variant. On other transcripts: non-coding transcript variant (1).
Genome position (GRCh38, 1-based): chr3:42,193,895, C>T. VCF-style: chr3-42193895-C-T. GRCh37 (hg19) VCF-style: chr3-42235387-C-T.
Other names: c.972C>T, p.Ala324= (NM_001265608.2, NM_001349246.2, NM_001349247.2); c.750C>T, p.Ala250= (NM_001265609.2, NM_001265610.1, NM_001349248.1 and 1 more transcripts); c.660C>T, p.Ala220= (NM_001349245.1); c.798C>T, p.Ala266= (NM_001410741.1, NM_014965.5).
Identifiers: ClinVar variation 4799704 (VCV004799704.2).